The following is an entry in ClinVar:

NM_021942.6(TRAPPC11):c.913_914del (p.Lys305fs)

Gene: TRAPPC11 (trafficking protein particle complex subunit 11; plus strand). Cytogenetic location: 4q35.1.
Variant type: Deletion.
Coding change: c.913_914del on transcript NM_021942.6 (MANE Select); coding-DNA positions 913 to 914, 2 bases deleted (AA; older notation c.913_914delAA).
Protein change: p.Lys305fs; shifts the reading frame from lysine 305.
Molecular consequence: frameshift variant.
Genome position (GRCh38, 1-based): chr4:183,679,434-183,679,435, AA deleted; deleting any 2 consecutive bases within chr4:183,679,431-183,679,435 gives the same sequence; the c. name uses the placement nearest the transcript's 3' end. VCF-style (leftmost placement, unchanged base first): chr4-183679430-GAA-G. GRCh37 (hg19) VCF-style: chr4-184600583-GAA-G.
Other names: c.913_914del, p.Lys305fs (NM_199053.3); short protein forms K305fs.
Identifiers: ClinVar variation 2141268 (VCV002141268.4), dbSNP rs1735567359, ClinGen allele CA2580071679.

ClinVar aggregate classification (germline): Pathogenic (1 of 4 stars; one submission).

Conditions:
Autosomal recessive limb-girdle muscular dystrophy type R18 (LGMDR18). Also called: Limb-girdle muscular dystrophy, type 2S; MUSCULAR DYSTROPHY, LIMB-GIRDLE, AUTOSOMAL RECESSIVE 18; Autosomal recessive limb-girdle muscular dystrophy type 2S. Identifiers: Orphanet 369840, MedGen C4517996, MONDO:0014144, OMIM 615356.

Submission:

Labcorp Genetics (formerly Invitae), Labcorp
Classification: Pathogenic for Autosomal recessive limb-girdle muscular dystrophy type R18. Last evaluated: 2022-04-06. Review status: criteria provided, single submitter. Criteria: Invitae Variant Classification Sherloc (09022015). Collection method: clinical testing. Allele origin: germline.
Comment: This sequence change creates a premature translational stop signal (p.Lys305Aspfs*9) in the TRAPPC11 gene. It is expected to result in an absent or disrupted protein product. Loss-of-function variants in TRAPPC11 are known to be pathogenic (PMID: 23830518, 26322222). This variant is not present in population databases (gnomAD no frequency). This variant has not been reported in the literature in individuals affected with TRAPPC11-related conditions. For these reasons, this variant has been classified as Pathogenic.

Literature cited by the submitters: PubMed 23830518; PubMed 26322222.